The following is an entry in ClinVar:

NM_000128.4(F11):c.1408del (p.Asp470fs)

Gene: F11 (coagulation factor XI; plus strand). Cytogenetic location: 4q35.2.
Variant type: Deletion.
Coding change: c.1408del on transcript NM_000128.4 (MANE Select); coding-DNA position 1408, one base deleted (G; older notation c.1408delG).
Protein change: p.Asp470fs; shifts the reading frame from aspartic acid 470.
Molecular consequence: frameshift variant.
Genome position (GRCh38, 1-based): chr4:186,285,741, G deleted. VCF-style (leftmost placement, unchanged base first): chr4-186285740-TG-T. GRCh37 (hg19) VCF-style: chr4-187206894-TG-T.
Other names: short protein forms D470fs.
Identifiers: ClinVar variation 1726048 (VCV001726048.2), dbSNP rs2477406435, ClinGen allele CA2580071724.
Genomic context (GRCh38, chr4:186,285,740, plus strand): 5'-AAATCAATCTGAAATAAAAGAGGACACATCTTTCTTTGGGGTTCAAGAAATAATAATCCA[TG>T]ATCAGTATAAAATGGCAGAAAGCGGGTATGATATTGCCTTGTTGAAACTGGAAACCACAG-3'

ClinVar aggregate classification (germline): Likely pathogenic (1 of 4 stars; one submission).

Conditions:
Hereditary factor XI deficiency disease. Also called: Congenital factor XI deficiency; PLASMA THROMBOPLASTIN ANTECEDENT DEFICIENCY; PTA DEFICIENCY; ROSENTHAL SYNDROME. Identifiers: Orphanet 329, MedGen C0015523, MeSH D005173, MONDO:0012897, OMIM 612416.

Submission:

Myriad Genetics, Inc.
Classification: Likely pathogenic for Hereditary factor XI deficiency disease. Last evaluated: 2022-05-12. Review status: criteria provided, single submitter. Criteria: Myriad Women's Health Autosomal Recessive and X-Linked Classification Criteria (2021). Collection method: clinical testing. Allele origin: unknown.
Comment: NM_000128.3(F11):c.1408delG(D470Ifs*15) is expected to be pathogenic in the context of factor XI deficiency. This variant is predicted to lead to an abnormal or absent protein product due to the creation of a premature termination codon in F11, a gene where loss-of-function variants are known to be pathogenic. Please note: this variant was assessed in the context of healthy population screening.